The following is an entry in ClinVar:

ClinVar aggregate classification (germline): Pathogenic/Likely pathogenic. Review status: criteria provided, multiple submitters, no conflicts (2 of 4 stars). 2 submissions from 2 submitters: Pathogenic (1); Likely pathogenic (1). Last evaluated 2024-11-18.

Conditions:
Retinitis pigmentosa 25 (RP25). Identifiers: Orphanet 791, MedGen C1864446, MONDO:0011272, OMIM 602772.

Submissions (2):

Labcorp Genetics (formerly Invitae), Labcorp
Classification: Pathogenic. Last evaluated: 2024-11-18. Review status: criteria provided, single submitter. Criteria: Invitae Variant Classification Sherloc (09022015). Collection method: clinical testing. Allele origin: germline.
Comment: This sequence change creates a premature translational stop signal (p.Tyr1893Argfs*12) in the EYS gene. It is expected to result in an absent or disrupted protein product. Loss-of-function variants in EYS are known to be pathogenic (PMID: 18836446, 20333770). This variant is present in population databases (no rsID available, gnomAD 0.007%). This variant has not been reported in the literature in individuals affected with EYS-related conditions. ClinVar contains an entry for this variant (Variation ID: 2675287). For these reasons, this variant has been classified as Pathogenic.

Baylor Genetics
Classification: Likely pathogenic for Retinitis pigmentosa 25. Last evaluated: 2024-02-26. Review status: criteria provided, single submitter. Criteria: ACMG Guidelines, 2015. Collection method: clinical testing. Allele origin: unknown.

Literature cited by the submitters: PubMed 18836446 (cited by Labcorp Genetics (formerly Invitae), Labcorp); PubMed 20333770 (cited by Labcorp Genetics (formerly Invitae), Labcorp).

NM_001142800.2(EYS):c.5677_5681del (p.Tyr1893fs)

Gene: EYS (EGF-like photoreceptor maintenance factor; minus strand). Cytogenetic location: 6q12.
Variant type: Deletion.
Coding change: c.5677_5681del on transcript NM_001142800.2 (MANE Select); coding-DNA positions 5677 to 5681, 5 bases deleted (TATCT; older notation c.5677_5681delTATCT).
Protein change: p.Tyr1893fs; shifts the reading frame from tyrosine 1893.
Molecular consequence: frameshift variant.
Genome position (GRCh38, 1-based): chr6:64,439,316-64,439,320, AGATA deleted on the plus strand (TATCT on the coding strand, the reverse complement: EYS is on the minus strand); deleting any 5 consecutive bases within chr6:64,439,316-64,439,323 gives the same sequence; the c. name uses the placement nearest the transcript's 3' end. VCF-style (leftmost placement, unchanged base first): chr6-64439315-TAGATA-T. GRCh37 (hg19) VCF-style: chr6-65149208-TAGATA-T.
Other names: c.5677_5681del, p.Tyr1893fs (NM_001292009.2); short protein forms Y1893fs.
Identifiers: ClinVar variation 2675287 (VCV002675287.5), dbSNP rs1321940936, ClinGen allele CA567744585.